The following is an entry in ClinVar:

ClinVar aggregate classification (germline): Pathogenic (1 of 4 stars; one submission).

Conditions:
Congenital disorder of glycosylation type 1E (CDG1E). Also called: CONGENITAL DISORDER OF GLYCOSYLATION, TYPE Ie; CDG Ie. Identifiers: Orphanet 79322, MedGen C1837396, MONDO:0012123, OMIM 608799.

gnomAD v4.1: 4 of 1,574,362 alleles (0.00025%); highest among the groups gnomAD compares: Non-Finnish European, 0.00035%; no homozygotes.

Submission:

Labcorp Genetics (formerly Invitae), Labcorp
Classification: Pathogenic for Congenital disorder of glycosylation type 1E. Last evaluated: 2024-10-07. Review status: criteria provided, single submitter. Criteria: Invitae Variant Classification Sherloc (09022015). Collection method: clinical testing. Allele origin: germline.
Comment: This sequence change affects an acceptor splice site in intron 7 of the DPM1 gene. It is expected to disrupt RNA splicing. Variants that disrupt the donor or acceptor splice site typically lead to a loss of protein function (PMID: 16199547), and loss-of-function variants in DPM1 are known to be pathogenic (PMID: 10642597, 10642602). This variant is not present in population databases (gnomAD no frequency). Disruption of this splice site has been observed in individual(s) with DPM1-congenital disorder of glycosylation (PMID: 30653653). Algorithms developed to predict the effect of sequence changes on RNA splicing suggest that this variant may disrupt the consensus splice site. For these reasons, this variant has been classified as Pathogenic.

Literature cited by the submitters: PubMed 16199547; PubMed 10642597; PubMed 10642602; PubMed 30653653.

NM_003859.3(DPM1):c.564-1G>T

Genes: DPM1 (dolichyl-phosphate mannosyltransferase subunit 1, catalytic; minus strand), ADNP-AS1 (ADNP antisense RNA 1; plus strand). Cytogenetic location: 20q13.13.
Variant type: single nucleotide variant.
Coding change: c.564-1G>T on transcript NM_003859.3 (MANE Select); the canonical splice acceptor site of the intron before coding-DNA position 564, G replaced by T.
Molecular consequence: splice acceptor variant.
Genome position (GRCh38, 1-based): chr20:50,936,263, C>A on the plus strand (G>T on the coding strand, the complement: DPM1 is on the minus strand). VCF-style: chr20-50936263-C-A. GRCh37 (hg19) VCF-style: chr20-49552800-C-A.
Other names: c.495-1G>T (NM_001317036.1); c.645-1G>T (NM_001317035.1); c.669-1G>T (NM_001317034.1).
Identifiers: ClinVar variation 3631040 (VCV003631040.2).